The following is an entry in ClinVar:

ClinVar aggregate classification (germline): Uncertain significance (1 of 4 stars; one submission).

Conditions:
Ehlers-Danlos syndrome, spondylodysplastic type, 3. Also called: Ehlers-Danlos syndrome, spondylocheirodysplastic type. Identifiers: Orphanet 157965, MedGen C2676510, MONDO:0012873, OMIM 612350.

Allele frequency attached by ClinVar (database versions not stated): TOPMed below 0.00001; gnomAD 0.00001; gnomAD exomes 0.00001; ExAC 0.00002; 1000 Genomes Project 30x 0.00016; 1000 Genomes Project 0.00020.
gnomAD v4.1: 20 of 1,614,182 alleles (0.0012%); highest among the groups gnomAD compares: South Asian, 0.013%; no homozygotes.

Submission:

Labcorp Genetics (formerly Invitae), Labcorp
Classification: Uncertain significance for Ehlers-Danlos syndrome, spondylodysplastic type, 3. Last evaluated: 2022-02-04. Review status: criteria provided, single submitter. Criteria: Invitae Variant Classification Sherloc (09022015). Collection method: clinical testing. Allele origin: germline.
Comment: In summary, the available evidence is currently insufficient to determine the role of this variant in disease. Therefore, it has been classified as a Variant of Uncertain Significance. Algorithms developed to predict the effect of missense changes on protein structure and function are either unavailable or do not agree on the potential impact of this missense change (SIFT: "Tolerated"; PolyPhen-2: "Probably Damaging"; Align-GVGD: "Class C0"). This variant has not been reported in the literature in individuals affected with SLC39A13-related conditions. This variant is present in population databases (rs531715383, gnomAD 0.007%). This sequence change replaces glycine, which is neutral and non-polar, with serine, which is neutral and polar, at codon 218 of the SLC39A13 protein (p.Gly218Ser).

NM_001128225.3(SLC39A13):c.652G>A (p.Gly218Ser)

Gene: SLC39A13 (solute carrier family 39 member 13; plus strand). Cytogenetic location: 11p11.2.
Variant type: single nucleotide variant.
Coding change: c.652G>A on transcript NM_001128225.3 (MANE Select); coding-DNA position 652, G replaced by A.
Protein change: p.Gly218Ser; replaces glycine 218 with serine.
Molecular consequence: missense variant. On other transcripts: non-coding transcript variant (1).
Genome position (GRCh38, 1-based): chr11:47,413,603, G>A. VCF-style: chr11-47413603-G-A. GRCh37 (hg19) VCF-style: chr11-47435154-G-A.
Other names: c.652G>A, p.Gly218Ser (NM_001330245.2, NM_152264.5); short protein forms G218S.
Identifiers: ClinVar variation 2151458 (VCV002151458.3), dbSNP rs531715383, ClinGen allele CA5975874.
Genomic context (GRCh38, chr11:47,413,603, plus strand): 5'-GCCCTGAGTGGCCAGCCCCACTCAGCCCTGCCTCCTGCCTTCCCTCCTTCCCAGGTCAGC[G>A]GCTACCTCAACCTGCTGGCCAACACCATCGATAACTTCACCCACGGGCTGGCTGTGGCTG-3'
Protein context (NP_001121697.2, residues 208-228): GAVVRSIKVS[Gly218Ser]YLNLLANTID